The following is an entry in ClinVar:

NM_000070.3(CAPN3):c.2264G>A (p.Gly755Glu)

Gene: CAPN3 (calpain 3; plus strand). Cytogenetic location: 15q15.1.
Variant type: single nucleotide variant.
Coding change: c.2264G>A on transcript NM_000070.3 (MANE Select); coding-DNA position 2264, G replaced by A.
Protein change: p.Gly755Glu; replaces glycine 755 with glutamic acid.
Molecular consequence: missense variant.
Genome position (GRCh38, 1-based): chr15:42,410,884, G>A. VCF-style: chr15-42410884-G-A. GRCh37 (hg19) VCF-style: chr15-42703082-G-A.
Other names: c.2246G>A, p.Gly749Glu (NM_024344.2); c.1988G>A, p.Gly663Glu (NM_173087.2); c.728G>A, p.Gly243Glu (NM_173088.2); c.269G>A, p.Gly90Glu (NM_173089.2, NM_173090.2); c.*1362G>A (NM_212464.2); c.*1939G>A (NM_212467.2); short protein forms G243E, G663E, G749E, G755E, G90E.
Identifiers: ClinVar variation 2439733 (VCV002439733.5), dbSNP rs2054200105, ClinGen allele CA392001948.
Genomic context (GRCh38, chr15:42,410,884, plus strand): 5'-TAGAAGGCAGGCCCAAGGCCTCCAGCTCCACGTCCACCTCTAACATGGTCCCCTCCACAG[G>A]ATTCCACCTCAACAACCAGCTCTATGACATCATTACCATGCGGTACGCAGACAAACACAT-3'
Protein context (NP_000061.1, residues 745-765): YEMRNAVNDA[Gly755Glu]FHLNNQLYDI

ClinVar aggregate classification (germline): Uncertain significance. Review status: criteria provided, multiple submitters, no conflicts (2 of 4 stars). 2 submissions from 2 submitters: Uncertain significance (2). Last evaluated 2024-05-29.

Conditions:
Autosomal recessive limb-girdle muscular dystrophy type 2A (LGMDR1). Also called: MUSCULAR DYSTROPHY, PELVOFEMORAL; Limb-girdle muscular dystrophy, type 2A; Calpainopathy; LEYDEN-MOEBIUS MUSCULAR DYSTROPHY; Muscular dystrophy, limb-girdle, type 2A, Amish. Identifiers: Orphanet 267, MedGen C1869123, MONDO:0009675, OMIM 253600. Disease mechanism: loss of function.

Allele frequency attached by ClinVar (database versions not stated): gnomAD exomes below 0.00001; TOPMed below 0.00001.

Submissions (2):

Labcorp Genetics (formerly Invitae), Labcorp
Classification: Uncertain significance for Autosomal recessive limb-girdle muscular dystrophy type 2A. Last evaluated: 2024-05-29. Review status: criteria provided, single submitter. Criteria: Invitae Variant Classification Sherloc (09022015). Collection method: clinical testing. Allele origin: germline.
Comment: This sequence change replaces glycine, which is neutral and non-polar, with glutamic acid, which is acidic and polar, at codon 755 of the CAPN3 protein (p.Gly755Glu). This variant is not present in population databases (gnomAD no frequency). This variant has not been reported in the literature in individuals affected with CAPN3-related conditions. ClinVar contains an entry for this variant (Variation ID: 2439733). An algorithm developed to predict the effect of missense changes on protein structure and function (PolyPhen-2) suggests that this variant is likely to be disruptive. In summary, the available evidence is currently insufficient to determine the role of this variant in disease. Therefore, it has been classified as a Variant of Uncertain Significance.

Revvity Omics, Revvity
Classification: Uncertain significance. Last evaluated: 2019-06-21. Review status: criteria provided, single submitter. Criteria: ACMG Guidelines, 2015. Collection method: clinical testing. Allele origin: germline.